The following is an entry in ClinVar:

NM_000749.5(CHRNB3):c.477T>G (p.Phe159Leu)

Gene: CHRNB3 (cholinergic receptor nicotinic beta 3 subunit; plus strand). Cytogenetic location: 8p11.21.
Variant type: single nucleotide variant.
Coding change: c.477T>G on transcript NM_000749.5 (MANE Select); coding-DNA position 477, T replaced by G.
Protein change: p.Phe159Leu; replaces phenylalanine 159 with leucine.
Molecular consequence: missense variant.
Genome position (GRCh38, 1-based): chr8:42,731,784, T>G. VCF-style: chr8-42731784-T-G. GRCh37 (hg19) VCF-style: chr8-42586927-T-G.
Other names: c.255T>G, p.Phe85Leu (NM_001347717.2); short protein forms F159L, F85L.
Identifiers: ClinVar variation 2658586 (VCV002658586.24), dbSNP rs1816427463, ClinGen allele CA371100423.

ClinVar aggregate classification (germline): Uncertain significance (1 of 4 stars; one submission).

Allele frequency attached by ClinVar (database versions not stated): gnomAD exomes below 0.00001; gnomAD 0.00001.
gnomAD v4.1: 3 of 1,613,952 alleles (0.00019%); highest among the groups gnomAD compares: South Asian, 0.0022%; no homozygotes.

Submission:

CeGaT Center for Human Genetics Tuebingen
Classification: Uncertain significance. Last evaluated: 2023-06-01. Review status: criteria provided, single submitter. Criteria: CeGaT Center For Human Genetics Tuebingen Variant Classification Criteria Version 2. Collection method: clinical testing. Allele origin: germline. Affected: yes. Observed: 1 variant allele.
Comment: CHRNB3: PM2